The following is an entry in ClinVar:

NM_017534.6(MYH2):c.1147+1G>T

Genes: MYH2 (myosin heavy chain 2; minus strand), MYHAS (myosin heavy chain gene cluster antisense RNA; plus strand). Cytogenetic location: 17p13.1.
Variant type: single nucleotide variant.
Coding change: c.1147+1G>T on transcript NM_017534.6 (MANE Select); the canonical splice donor site of the intron after coding-DNA position 1147, G replaced by T.
Molecular consequence: splice donor variant.
Genome position (GRCh38, 1-based): chr17:10,539,927, C>A on the plus strand (G>T on the coding strand, the complement: MYH2 is on the minus strand). VCF-style: chr17-10539927-C-A. GRCh37 (hg19) VCF-style: chr17-10443244-C-A.
Other names: c.1147+1G>T (NM_001100112.2).
Identifiers: ClinVar variation 373404 (VCV000373404.4), dbSNP rs1057518398, ClinGen allele CA16042963.

ClinVar aggregate classification (germline): Pathogenic/Likely pathogenic. Review status: criteria provided, multiple submitters, no conflicts (2 of 4 stars). 3 submissions from 3 submitters: Pathogenic (1); Likely pathogenic (2). Last evaluated 2025-01-20.

Conditions:
Myopathy, proximal, and ophthalmoplegia (CMYO6). Also called: INCLUSION BODY MYOPATHY 3, AUTOSOMAL DOMINANT; CONGENITAL MYOPATHY 6 WITH OPHTHALMOPLEGIA; MYOPATHY WITH CONGENITAL JOINT CONTRACTURES, OPHTHALMOPLEGIA, AND RIMMED VACUOLES. Identifiers: Orphanet 363677, Orphanet 79091, MedGen C1854106, MONDO:0011577, OMIM 605637.

Submissions (3):

3billion
Classification: Pathogenic for Myopathy, proximal, and ophthalmoplegia. Last evaluated: 2025-01-20. Review status: criteria provided, single submitter. Criteria: ACMG Guidelines, 2015. Collection method: clinical testing. Allele origin: germline. Affected: yes.
Comment: The variant is not observed in the gnomAD v4.1.0 dataset. Predicted Consequence/Location: Canonical splice site: predicted to alter splicing and result in a loss or disruption of normal protein function. Multiple pathogenic loss-of-function variants are reported downstream of the variant. In silico tools predict the variant to alter splicing and produce an abnormal transcript [SpliceAI: 0.93 (spliceogenicity >=0.2, non-spliceogenicity <0.1)]. The variant has been reported to be associated with MYH2-related disorder (ClinVar ID: VCV000373404). Therefore, this variant is classified as Pathogenic according to the recommendation of ACMG/AMP guideline.

GeneDx
Classification: Likely pathogenic. Last evaluated: 2016-12-07. Review status: criteria provided, single submitter. Criteria: GeneDx Variant Classification (06012015). Collection method: clinical testing. Allele origin: germline. Affected: yes.
Comment: The c.1147+1G>T variant in the MYH2 gene has not been reported previously as a pathogenic variant nor as a benign variant, to our knowledge. This splice site variant destroys the canonical splice donor site in intron 12. It is predicted to cause abnormal gene splicing, either leading to an abnormal message that is subject to nonsense-mediated mRNA decay, or to an abnormal protein product if the message is used for protein translation. The c.1147+1G>T variant was not observed in approximately 6500 individuals of European and African American ancestry in the NHLBI Exome Sequencing Project, indicating it is not a common benign variant in these populations. We interpret c.1147+1G>T as a likely pathogenic variant.

Juno Genomics, Hangzhou Juno Genomics, Inc
Classification: Likely pathogenic for Myopathy, proximal, and ophthalmoplegia. Review status: criteria provided, single submitter. Criteria: ACMG Guidelines, 2015. Collection method: clinical testing. Allele origin: germline.
Comment: Null variant in a gene where loss of function (LOF) is a known mechanism of disease.;Absent from controls (or at extremely low frequency if recessive) in Genome Aggregation Database.